The following is an entry in ClinVar:

NM_022552.5(DNMT3A):c.2013G>A (p.Thr671=)

Gene: DNMT3A (DNA methyltransferase 3 alpha; minus strand). Cytogenetic location: 2p23.3.
Variant type: single nucleotide variant.
Coding change: c.2013G>A on transcript NM_022552.5 (MANE Select); coding-DNA position 2013, G replaced by A.
Protein change: p.Thr671=; no amino-acid change (threonine 671 retained).
Molecular consequence: synonymous variant. On other transcripts: non-coding transcript variant (1).
Genome position (GRCh38, 1-based): chr2:25,241,631, C>T on the plus strand (G>A on the coding strand, the complement: DNMT3A is on the minus strand). VCF-style: chr2-25241631-C-T. GRCh37 (hg19) VCF-style: chr2-25464500-C-T.
Other names: c.1557G>A, p.Thr519= (NM_001320893.1); c.1344G>A, p.Thr448= (NM_001375819.1); c.1446G>A, p.Thr482= (NM_153759.3); c.2013G>A, p.Thr671= (NM_175629.2); c.2013G>A (NM_022552.3).
Identifiers: ClinVar variation 1933329 (VCV001933329.7), dbSNP rs1674047040, ClinGen allele CA425181892.

ClinVar aggregate classification (germline): Likely benign. Review status: criteria provided, multiple submitters, no conflicts (2 of 4 stars). 3 submissions from 3 submitters: Likely benign (2). 1 of the submissions does not count toward it. Last evaluated 2025-12-07.

Conditions:
Tatton-Brown-Rahman overgrowth syndrome. Also called: Tall stature-intellectual disability-facial dysmorphism syndrome; Tatton-Brown-Rahman syndrome. Identifiers: Orphanet 404443, MedGen C4014545, MONDO:0014382, OMIM 615879.
DNMT3A-related disorder. Also called: DNMT3A-related disorders; DNMT3A-related condition.
Inborn genetic diseases. Identifiers: MedGen C0950123, MeSH D030342.

Allele frequency attached by ClinVar (database versions not stated): gnomAD exomes below 0.00001; TOPMed below 0.00001.
gnomAD v4.1: 4 of 1,614,180 alleles (0.00025%); highest among the groups gnomAD compares: Non-Finnish European, 0.00034%; no homozygotes.

Submissions (3):

Ambry Genetics
Classification: Likely benign for Inborn genetic diseases. Last evaluated: 2025-12-07. Review status: criteria provided, single submitter. Criteria: Ambry Variant Classification Scheme 2023. Collection method: clinical testing. Allele origin: germline.

Labcorp Genetics (formerly Invitae), Labcorp
Classification: Likely benign for Tatton-Brown-Rahman overgrowth syndrome. Last evaluated: 2022-08-12. Review status: criteria provided, single submitter. Criteria: Invitae Variant Classification Sherloc (09022015). Collection method: clinical testing. Allele origin: germline.

PreventionGenetics, part of Exact Sciences
Classification: Likely benign for DNMT3A-related condition. Last evaluated: 2024-09-01. Review status: no assertion criteria provided. Collection method: clinical testing. Allele origin: germline. Not counted in ClinVar's aggregate classification.
Comment: This variant is classified as likely benign based on ACMG/AMP sequence variant interpretation guidelines (Richards et al. 2015 PMID: 25741868, with internal and published modifications).